The following is an entry in ClinVar:

NM_007198.4(PLPBP):c.132G>A (p.Ala44=)

Gene: PLPBP (pyridoxal phosphate binding protein; plus strand). Cytogenetic location: 8p11.23.
Variant type: single nucleotide variant.
Coding change: c.132G>A on transcript NM_007198.4 (MANE Select); coding-DNA position 132, G replaced by A.
Protein change: p.Ala44=; no amino-acid change (alanine 44 retained).
Molecular consequence: synonymous variant. On other transcripts: 5 prime UTR variant (1).
Genome position (GRCh38, 1-based): chr8:37,765,558, G>A. VCF-style: chr8-37765558-G-A. GRCh37 (hg19) VCF-style: chr8-37623076-G-A.
Other names: c.132G>A, p.Ala44= (NM_001349346.2, NM_001349347.2); c.-25G>A (NM_001349348.2); c.237G>A, p.Ala79= (NM_001349349.1).
Identifiers: ClinVar variation 714407 (VCV000714407.49), dbSNP rs202002761, ClinGen allele CA4711137.
Genomic context (GRCh38, chr8:37,765,558, plus strand): 5'-ACTCATATGGCTCTTTCCCTCTTGGCAGGATCTCCCAGCCATCCAGCCCCGGCTAGTGGC[G>A]GTCAGCAAAACCAAACCTGCAGACATGGTGATCGAGGCCTATGGACATGGGCAGCGCACT-3'
Protein context (NP_009129.1, residues 34-54): DLPAIQPRLV[Ala44=]VSKTKPADMV

ClinVar aggregate classification (germline): Likely benign. Review status: criteria provided, multiple submitters, no conflicts (2 of 4 stars). 4 submissions from 4 submitters: Likely benign (3). 1 of the submissions does not count toward it. Last evaluated 2026-02-03.

Conditions:
PLPBP-related disorder. Also called: PLPBP-related condition.

Allele frequency attached by ClinVar (database versions not stated): 1000 Genomes Project 30x 0.00016; 1000 Genomes Project 0.00020; TOPMed 0.00080.

Submissions (4):

Labcorp Genetics (formerly Invitae), Labcorp
Classification: Likely benign. Last evaluated: 2026-02-03. Review status: criteria provided, single submitter. Criteria: Invitae Variant Classification Sherloc (09022015). Collection method: clinical testing. Allele origin: germline.

CeGaT Center for Human Genetics Tuebingen
Classification: Likely benign. Last evaluated: 2025-07-01. Review status: criteria provided, single submitter. Criteria: CeGaT Center For Human Genetics Tuebingen Variant Classification Criteria Version 2. Collection method: clinical testing. Allele origin: germline. Affected: yes. Observed: 6 variant alleles.
Comment: PLPBP: BP4, BP7

Blueprint Genetics
Classification: Likely benign. Last evaluated: 2024-11-01. Review status: criteria provided, single submitter. Criteria: ACMG Guidelines, 2015. Collection method: clinical testing. Allele origin: germline.

PreventionGenetics, part of Exact Sciences
Classification: Likely benign for PLPBP-related condition. Last evaluated: 2019-08-08. Review status: no assertion criteria provided. Collection method: clinical testing. Allele origin: germline. Not counted in ClinVar's aggregate classification.
Comment: This variant is classified as likely benign based on ACMG/AMP sequence variant interpretation guidelines (Richards et al. 2015 PMID: 25741868, with internal and published modifications).